The following is an entry in ClinVar:

ClinVar aggregate classification (germline): Likely pathogenic (1 of 4 stars; one submission).

Conditions:
Hereditary cancer-predisposing syndrome. Also called: Neoplastic Syndromes, Hereditary; Tumor predisposition; Hereditary Cancer Syndrome; Hereditary neoplastic syndrome. Identifiers: Orphanet 140162, MedGen C0027672, MeSH D009386, MONDO:0015356.

Submission:

Ambry Genetics
Classification: Likely pathogenic for Hereditary cancer-predisposing syndrome. Last evaluated: 2025-05-03. Review status: criteria provided, single submitter. Criteria: Ambry Variant Classification Scheme 2023. Collection method: clinical testing. Allele origin: germline.
Comment: The c.2446-1G>T intronic variant results from a G to T substitution one nucleotide upstream from coding exon 15 of the PMS2 gene. This alteration occurs at the 3' terminus of the PMS2 gene, is not expected to trigger nonsense-mediated mRNA decay, and only impacts the last 5.56% of the protein. The exact functional effect of this alteration is unknown; however, the region predicted to be impacted is critical for protein function and a significant portion of the protein is affected (Ambry internal data). This nucleotide position is highly conserved in available vertebrate species. In silico splice site analysis predicts that this alteration will weaken the native splice acceptor site. Based on the majority of available evidence to date, this variant is likely to be pathogenic.

NM_000535.7(PMS2):c.2446-1G>T

Gene: PMS2 (PMS1 homolog 2, mismatch repair system component; minus strand). Cytogenetic location: 7p22.1.
Variant type: single nucleotide variant.
Coding change: c.2446-1G>T on transcript NM_000535.7 (MANE Select); the canonical splice acceptor site of the intron before coding-DNA position 2446, G replaced by T.
Molecular consequence: splice acceptor variant.
Genome position (GRCh38, 1-based): chr7:5,973,543, C>A on the plus strand (G>T on the coding strand, the complement: PMS2 is on the minus strand). VCF-style: chr7-5973543-C-A. GRCh37 (hg19) VCF-style: chr7-6013174-C-A.
Other names: c.2128-1G>T (NM_001322008.2, NM_001406883.1, NM_001322007.2); c.2137-1G>T (NM_001406881.1, NM_001406879.1, NM_001322015.2 and 4 more transcripts); c.2041-1G>T (NM_001406895.1, NM_001322004.2, NM_001406889.1 and 11 more transcripts); c.1675-1G>T (NM_001406911.1); c.1885-1G>T (NM_001322010.2, NM_001406906.1, NM_001406907.1); c.1972-1G>T (NM_001406902.1, NM_001406901.1); c.1933-1G>T (NM_001406904.1, NM_001406905.1); c.1873-1G>T (NM_001322013.2, NM_001406908.1, NM_001406909.1); and 20 more.
Identifiers: ClinVar variation 232459 (VCV000232459.6), dbSNP rs774583397, ClinGen allele CA10578640.
Genomic context (GRCh38, chr7:5,973,543, plus strand): 5'-CCCCATGTGGGTGATCAGTTTCTTCATCTCGCTTGTGTTAAGAGCAGTCCCAATCATCAC[C>A]TGAGTGTGAGACACAATGGTTCAACGTTTTAGTAGTTTTTTGACGTCAGAATGGCAGCTC-3'